The following is an entry in ClinVar:

NM_201253.3(CRB1):c.2172T>A (p.Tyr724Ter)

Gene: CRB1 (crumbs cell polarity complex component 1; plus strand). Cytogenetic location: 1q31.3.
Variant type: single nucleotide variant.
Coding change: c.2172T>A on transcript NM_201253.3 (MANE Select); coding-DNA position 2172, T replaced by A.
Protein change: p.Tyr724Ter; replaces tyrosine 724 with a stop codon.
Molecular consequence: nonsense. On other transcripts: non-coding transcript variant (2), intron variant (1).
Genome position (GRCh38, 1-based): chr1:197,427,497, T>A. VCF-style: chr1-197427497-T-A. GRCh37 (hg19) VCF-style: chr1-197396627-T-A.
Other names: c.1836T>A, p.Tyr612Ter (NM_001193640.2); c.1965T>A, p.Tyr655Ter (NM_001257965.2); c.2128+5541T>A (NM_001257966.2); short protein forms Y612*, Y655*, Y724*.
Identifiers: ClinVar variation 2680954 (VCV002680954.5), dbSNP rs752824817, ClinGen allele CA344036465.

ClinVar aggregate classification (germline): Pathogenic. Review status: criteria provided, multiple submitters, no conflicts (2 of 4 stars). 2 submissions from 2 submitters: Pathogenic (2). Last evaluated 2024-02-07.

Conditions:
Leber congenital amaurosis 8 (LCA8). Identifiers: Orphanet 65, MedGen C3151202, MONDO:0013453, OMIM 613835.
Retinitis pigmentosa 12 (RP12). Also called: RP WITH OR WITHOUT PRESERVED PARAARTERIOLE RETINAL PIGMENT EPITHELIUM; RETINITIS PIGMENTOSA WITH OR WITHOUT PARAARTERIOLAR PRESERVATION OF RETINAL PIGMENT EPITHELIUM; RP WITH OR WITHOUT PPRPE. Identifiers: Orphanet 791, MedGen C1838647, MONDO:0010818, OMIM 600105.

gnomAD v4.1: 1 of 1,613,994 alleles (0.000062%); highest among the groups gnomAD compares: East Asian, 0.0022%; no homozygotes.

Submissions (2):

Baylor Genetics
Classification: Pathogenic for Leber congenital amaurosis 8. Last evaluated: 2024-02-07. Review status: criteria provided, single submitter. Criteria: ACMG Guidelines, 2015. Collection method: clinical testing. Allele origin: unknown.

Labcorp Genetics (formerly Invitae), Labcorp
Classification: Pathogenic for Leber congenital amaurosis 8; Retinitis pigmentosa 12. Last evaluated: 2024-02-07. Review status: criteria provided, single submitter. Criteria: Invitae Variant Classification Sherloc (09022015). Collection method: clinical testing. Allele origin: germline.
Comment: This sequence change creates a premature translational stop signal (p.Tyr724*) in the CRB1 gene. It is expected to result in an absent or disrupted protein product. Loss-of-function variants in CRB1 are known to be pathogenic (PMID: 10508521, 22065545, 23379534, 25412400, 26957898, 28041643, 29391521). This variant is present in population databases (no rsID available, gnomAD 0.006%). This premature translational stop signal has been observed in individual(s) with Leber congenital amaurosis (PMID: 26047050). For these reasons, this variant has been classified as Pathogenic.

Literature cited by the submitters: PubMed 10508521 (cited by Labcorp Genetics (formerly Invitae), Labcorp); PubMed 22065545 (cited by Labcorp Genetics (formerly Invitae), Labcorp); PubMed 23379534 (cited by Labcorp Genetics (formerly Invitae), Labcorp); PubMed 25412400 (cited by Labcorp Genetics (formerly Invitae), Labcorp); PubMed 26957898 (cited by Labcorp Genetics (formerly Invitae), Labcorp); PubMed 28041643 (cited by Labcorp Genetics (formerly Invitae), Labcorp); PubMed 29391521 (cited by Labcorp Genetics (formerly Invitae), Labcorp); PubMed 26047050 (cited by Labcorp Genetics (formerly Invitae), Labcorp).